The following is an entry in ClinVar:

ClinVar aggregate classification (germline): Likely benign (1 of 4 stars; one submission).

Submission:

GeneDx
Classification: Likely benign. Last evaluated: 2018-06-14. Review status: criteria provided, single submitter. Criteria: GeneDx Variant Classification (06012015). Collection method: clinical testing. Allele origin: germline. Affected: yes.
Comment: This variant is considered likely benign or benign based on one or more of the following criteria: it is a conservative change, it occurs at a poorly conserved position in the protein, it is predicted to be benign by multiple in silico algorithms, and/or has population frequency not consistent with disease.

NM_015346.4(ZFYVE26):c.3020-42A>T

Gene: ZFYVE26 (zinc finger FYVE-type containing 26; minus strand). Cytogenetic location: 14q24.1.
Variant type: single nucleotide variant.
Coding change: c.3020-42A>T on transcript NM_015346.4 (MANE Select); 42 bases into the intron before coding-DNA position 3020, A replaced by T.
Molecular consequence: intron variant.
Genome position (GRCh38, 1-based): chr14:67,786,275, T>A on the plus strand (A>T on the coding strand, the complement: ZFYVE26 is on the minus strand). VCF-style: chr14-67786275-T-A. GRCh37 (hg19) VCF-style: chr14-68252992-T-A.
Identifiers: ClinVar variation 672372 (VCV000672372.1), dbSNP rs191095239, ClinGen allele CA7240121.